The following is an entry in ClinVar:

NM_000424.4(KRT5):c.539CCT[1] (p.Ser181del)

Gene: KRT5 (keratin 5; minus strand). Cytogenetic location: 12q13.13.
Variant type: Microsatellite.
Coding change: c.539CCT[1] on transcript NM_000424.4 (MANE Select); one copy of the 3-base unit CCT starting at c.539; the reference has two copies in a row; one copy, 3 bases deleted; also written c.542_544del.
Protein change: p.Ser181del; deletes serine 181.
Molecular consequence: inframe deletion.
Genome position (GRCh38, 1-based): chr12:52,519,753-52,519,755, AGG deleted on the plus strand (CCT on the coding strand, the reverse complement: KRT5 is on the minus strand); deleting any 3 consecutive bases within chr12:52,519,753-52,519,758 gives the same sequence; the position shown is the placement nearest the transcript's 3' end. VCF-style (leftmost placement, unchanged base first): chr12-52519752-AAGG-A. GRCh37 (hg19) VCF-style: chr12-52913536-AAGG-A.
Other names: c.542_544del (NM_000424.4); short protein forms S181del.
Identifiers: ClinVar variation 2433270 (VCV002433270.7), dbSNP rs2498409143, ClinGen allele CA2580615206.

ClinVar aggregate classification (germline): Conflicting classifications of pathogenicity. Review status: criteria provided, conflicting classifications (1 of 4 stars). 3 submissions from 3 submitters: Likely pathogenic (1); Uncertain significance (2). Last evaluated 2025-03-20.

Conditions:
KRT5-related disorder. Also called: KRT5-related condition.

Submissions (3):

3billion
Classification: Likely pathogenic for KRT5-related disorder. Last evaluated: 2025-03-20. Review status: criteria provided, single submitter. Criteria: ACMG Guidelines, 2015. Collection method: clinical testing. Allele origin: germline. Affected: yes.

Labcorp Genetics (formerly Invitae), Labcorp
Classification: Uncertain significance. Last evaluated: 2023-04-09. Review status: criteria provided, single submitter. Criteria: Invitae Variant Classification Sherloc (09022015). Collection method: clinical testing. Allele origin: germline.
Comment: In summary, the available evidence is currently insufficient to determine the role of this variant in disease. Therefore, it has been classified as a Variant of Uncertain Significance. This variant has been observed in individual(s) with epidermolysis bullosa simplex (Invitae). Experimental studies and prediction algorithms are not available or were not evaluated, and the functional significance of this variant is currently unknown. This variant is not present in population databases (gnomAD no frequency). This variant, c.542_544del, results in the deletion of 1 amino acid(s) of the KRT5 protein (p.Ser181del), but otherwise preserves the integrity of the reading frame.

Revvity Omics, Revvity
Classification: Uncertain significance. Last evaluated: 2022-09-25. Review status: criteria provided, single submitter. Criteria: ACMG Guidelines, 2015. Collection method: clinical testing. Allele origin: germline.